The following is an entry in ClinVar:

ClinVar aggregate classification (germline): Uncertain significance. Review status: criteria provided, multiple submitters, no conflicts (2 of 4 stars). 3 submissions from 3 submitters: Uncertain significance (3). Last evaluated 2024-03-07.

Conditions:
Hereditary cancer-predisposing syndrome. Also called: Tumor predisposition; Hereditary neoplastic syndrome; Neoplastic Syndromes, Hereditary; Hereditary Cancer Syndrome. Identifiers: Orphanet 140162, MedGen C0027672, MeSH D009386, MONDO:0015356.
Juvenile polyposis syndrome (JPS). Identifiers: Orphanet 2929, MedGen C0345893, MONDO:0017380, OMIM 174900.

Submissions (3):

Color Diagnostics, LLC DBA Color Health
Classification: Uncertain significance for Hereditary cancer-predisposing syndrome. Last evaluated: 2024-03-07. Review status: criteria provided, single submitter. Criteria: ACMG Guidelines, 2015. Collection method: clinical testing. Allele origin: germline.
Comment: This missense variant replaces aspartic acid with glycine at codon 211 of the BMPR1A protein. Computational prediction suggests that this variant may have deleterious impact on protein structure and function (internally defined REVEL score threshold >= 0.7, PMID: 27666373). Splice site prediction tools suggest that this variant may not impact RNA splicing. To our knowledge, functional studies have not been performed for this variant. This variant has not been reported in individuals affected with hereditary cancer in the literature. This variant has not been identified in the general population by the Genome Aggregation Database (gnomAD). The available evidence is insufficient to determine the role of this variant in disease conclusively. Therefore, this variant is classified as a Variant of Uncertain Significance.

Ambry Genetics
Classification: Uncertain significance for Hereditary cancer-predisposing syndrome. Last evaluated: 2022-10-28. Review status: criteria provided, single submitter. Criteria: Ambry Variant Classification Scheme 2023. Collection method: clinical testing. Allele origin: germline.
Comment: The p.D211G variant (also known as c.632A>G), located in coding exon 6 of the BMPR1A gene, results from an A to G substitution at nucleotide position 632. The aspartic acid at codon 211 is replaced by glycine, an amino acid with similar properties. This amino acid position is conserved. In addition, the in silico prediction for this alteration is inconclusive. Since supporting evidence is limited at this time, the clinical significance of this alteration remains unclear.

Labcorp Genetics (formerly Invitae), Labcorp
Classification: Uncertain significance for Juvenile polyposis syndrome. Last evaluated: 2022-07-02. Review status: criteria provided, single submitter. Criteria: Invitae Variant Classification Sherloc (09022015). Collection method: clinical testing. Allele origin: germline.
Comment: In summary, the available evidence is currently insufficient to determine the role of this variant in disease. Therefore, it has been classified as a Variant of Uncertain Significance. Advanced modeling of protein sequence and biophysical properties (such as structural, functional, and spatial information, amino acid conservation, physicochemical variation, residue mobility, and thermodynamic stability) performed at Invitae indicates that this missense variant is not expected to disrupt BMPR1A protein function. ClinVar contains an entry for this variant (Variation ID: 926551). This variant has not been reported in the literature in individuals affected with BMPR1A-related conditions. This variant is not present in population databases (gnomAD no frequency). This sequence change replaces aspartic acid, which is acidic and polar, with glycine, which is neutral and non-polar, at codon 211 of the BMPR1A protein (p.Asp211Gly).

NM_004329.3(BMPR1A):c.632A>G (p.Asp211Gly)

Gene: BMPR1A (bone morphogenetic protein receptor type 1A; plus strand). Cytogenetic location: 10q23.2.
Variant type: single nucleotide variant.
Coding change: c.632A>G on transcript NM_004329.3 (MANE Select); coding-DNA position 632, A replaced by G.
Protein change: p.Asp211Gly; replaces aspartic acid 211 with glycine.
Molecular consequence: missense variant.
Genome position (GRCh38, 1-based): chr10:86,912,341, A>G. VCF-style: chr10-86912341-A-G. GRCh37 (hg19) VCF-style: chr10-88672098-A-G.
Other names: short protein forms D211G.
Identifiers: ClinVar variation 926551 (VCV000926551.11), dbSNP rs1843503680, ClinGen allele CA377454921.